The following is an entry in ClinVar:

NM_014402.5(UQCRQ):c.*970A>C

Gene: UQCRQ (ubiquinol-cytochrome c reductase complex III subunit VII; plus strand). Cytogenetic location: 5q31.1.
Variant type: single nucleotide variant.
Coding change: c.*970A>C on transcript NM_014402.5 (MANE Select); 970 bases downstream of the stop codon, A replaced by C.
Molecular consequence: 3 prime UTR variant.
Genome position (GRCh38, 1-based): chr5:132,868,552, A>C. VCF-style: chr5-132868552-A-C. GRCh37 (hg19) VCF-style: chr5-132204244-A-C.
Identifiers: ClinVar variation 350855 (VCV000350855.29), dbSNP rs185184076, ClinGen allele CA10622565.

ClinVar aggregate classification (germline): Conflicting classifications of pathogenicity. Review status: criteria provided, conflicting classifications (1 of 4 stars). 2 submissions from 2 submitters: Uncertain significance (1); Likely benign (1). Last evaluated 2023-05-01.

Conditions:
Mitochondrial complex III deficiency nuclear type 4. Identifiers: MedGen C3554607, MONDO:0014065, OMIM 615159.

Allele frequency attached by ClinVar (database versions not stated): TOPMed 0.00680.

Submissions (2):

CeGaT Center for Human Genetics Tuebingen
Classification: Likely benign. Last evaluated: 2023-05-01. Review status: criteria provided, single submitter. Criteria: CeGaT Center For Human Genetics Tuebingen Variant Classification Criteria Version 2. Collection method: clinical testing. Allele origin: germline. Affected: yes. Observed: 3 variant alleles.
Comment: UQCRQ: BS1

Illumina Laboratory Services, Illumina
Classification: Uncertain significance for Mitochondrial complex III deficiency nuclear type 4. Last evaluated: 2018-01-13. Review status: criteria provided, single submitter. Criteria: ICSL Variant Classification Criteria 13 December 2019. Collection method: clinical testing. Allele origin: germline.